The following is an entry in ClinVar:

NM_015509.4(NECAP1):c.489C>T (p.Ile163=)

Gene: NECAP1 (NECAP endocytosis associated 1; plus strand). Cytogenetic location: 12p13.31.
Variant type: single nucleotide variant.
Coding change: c.489C>T on transcript NM_015509.4 (MANE Select); coding-DNA position 489, C replaced by T.
Protein change: p.Ile163=; no amino-acid change (isoleucine 163 retained).
Molecular consequence: synonymous variant. On other transcripts: non-coding transcript variant (1).
Genome position (GRCh38, 1-based): chr12:8,092,781, C>T. VCF-style: chr12-8092781-C-T. GRCh37 (hg19) VCF-style: chr12-8245377-C-T.
Identifiers: ClinVar variation 718178 (VCV000718178.31), dbSNP rs773465096, ClinGen allele CA6432276.

ClinVar aggregate classification (germline): Likely benign. Review status: criteria provided, multiple submitters, no conflicts (2 of 4 stars). 2 submissions from 2 submitters: Likely benign (2). Last evaluated 2026-01-15.

Conditions:
Developmental and epileptic encephalopathy, 21 (DEE21). Also called: Early infantile epileptic encephalopathy 21. Identifiers: Orphanet 442835, MedGen C4014430, MONDO:0014360, OMIM 615833.

Allele frequency attached by ClinVar (database versions not stated): ExAC 0.00003; TOPMed 0.00003; gnomAD 0.00005 and 0.00006; gnomAD exomes 0.00005 and 0.00009.
gnomAD v4.1: 130 of 1,611,468 alleles (0.0081%); highest among the groups gnomAD compares: East Asian, 0.033%; no homozygotes.

Submissions (2):

Labcorp Genetics (formerly Invitae), Labcorp
Classification: Likely benign for Developmental and epileptic encephalopathy, 21. Last evaluated: 2026-01-15. Review status: criteria provided, single submitter. Criteria: Invitae Variant Classification Sherloc (09022015). Collection method: clinical testing. Allele origin: germline.

CeGaT Center for Human Genetics Tuebingen
Classification: Likely benign. Last evaluated: 2023-02-01. Review status: criteria provided, single submitter. Criteria: CeGaT Center For Human Genetics Tuebingen Variant Classification Criteria Version 2. Collection method: clinical testing. Allele origin: germline. Affected: yes. Observed: 1 variant allele.
Comment: NECAP1: BP4, BP7